The following is an entry in ClinVar:

NM_000334.4(SCN4A):c.2793C>T (p.Ser931=)

Genes: GH-LCR (growth hormone locus control region; plus strand), SCN4A (sodium voltage-gated channel alpha subunit 4; minus strand). Cytogenetic location: 17q23.3.
Variant type: single nucleotide variant.
Coding change: c.2793C>T on transcript NM_000334.4 (MANE Select); coding-DNA position 2793, C replaced by T.
Protein change: p.Ser931=; no amino-acid change (serine 931 retained).
Molecular consequence: synonymous variant.
Genome position (GRCh38, 1-based): chr17:63,951,484, G>A on the plus strand (C>T on the coding strand, the complement: SCN4A is on the minus strand). VCF-style: chr17-63951484-G-A. GRCh37 (hg19) VCF-style: chr17-62028844-G-A.
Identifiers: ClinVar variation 889338 (VCV000889338.13), dbSNP rs201036204, ClinGen allele CA8709500.
Genomic context (GRCh38, chr17:63,951,484, plus strand): 5'-CTTGCTATCCTCAGGCTCTGAGAAAGTGTCGGTTTCCTCCTCGGTGGGCATCTCCAGGTC[G>A]GACTCCTCGGAGGCGATGGGCACCTGTATGGTCAGGTAGGGGTTGTTGATGAAGTTAAGG-3'
Protein context (NP_000325.4, residues 921-941): TIQVPIASEE[Ser931=]DLEMPTEEET

ClinVar aggregate classification (germline): Conflicting classifications of pathogenicity. Review status: criteria provided, conflicting classifications (1 of 4 stars). 6 submissions from 2 submitters: Uncertain significance (1); Benign (5). Last evaluated 2025-12-11.

Conditions:
Hyperkalemic periodic paralysis. Also called: Gamstorp disease; Familial hyperkalemic periodic paralysis. Identifiers: Orphanet 682, MedGen C0238357, MONDO:0008224, OMIM 170500, HP:0007215.
Congenital myasthenic syndrome 16. Identifiers: Orphanet 590, MedGen C3280112, MONDO:0013620, OMIM 614198.
Paramyotonia congenita of Von Eulenburg. Also called: PARALYSIS PERIODICA PARAMYOTONICA; Eulenburg disease; Myotonia congenita intermittens; Von Eulenburg paramyotonia congenita; Paramyotonia Congenita. Identifiers: Orphanet 684, MedGen C0221055, MONDO:0008195, OMIM 168300. Disease mechanism: loss of function.
Potassium-aggravated myotonia. Also called: Myotonia congenita, atypical, acetazolamide-responsive; MYOTONIA CONGENITA, ACETAZOLAMIDE-RESPONSIVE; MYOTONIA CONGENITA, ATYPICAL; SODIUM CHANNEL MUSCLE DISEASE. Identifiers: Orphanet 612, Orphanet 99734, Orphanet 99735, Orphanet 99736, MedGen C2931826, MONDO:0018959, OMIM 608390.
Hypokalemic periodic paralysis, type 2 (HOKPP2). Identifiers: Orphanet 681, MedGen C2750061, MONDO:0013234, OMIM 613345.

Allele frequency attached by ClinVar (database versions not stated): ESP Exome Variant Server 0.00008; gnomAD exomes 0.00014; gnomAD 0.00007 and 0.00013; TOPMed 0.00012; ExAC 0.00018; 1000 Genomes Project 0.00080; 1000 Genomes Project 30x 0.00062.
gnomAD v4.1: 156 of 1,611,776 alleles (0.0097%); highest among the groups gnomAD compares: East Asian, 0.28%; 3 homozygotes.

Submissions (6):

Labcorp Genetics (formerly Invitae), Labcorp
Classification: Benign for Hyperkalemic periodic paralysis. Last evaluated: 2025-12-11. Review status: criteria provided, single submitter. Criteria: Invitae Variant Classification Sherloc (09022015). Collection method: clinical testing. Allele origin: germline.

Illumina Laboratory Services, Illumina
Classification: Benign for Potassium-aggravated myotonia. Last evaluated: 2018-01-13. Review status: criteria provided, single submitter. Criteria: ICSL Variant Classification Criteria 13 December 2019. Collection method: clinical testing. Allele origin: germline.
Comment: This variant was observed in the ICSL laboratory as part of a predisposition screen in an ostensibly healthy population. It had not been previously curated by ICSL or reported in the Human Gene Mutation Database (HGMD: prior to June 1st, 2018), and was therefore a candidate for classification through an automated scoring system. Utilizing variant allele frequency, disease prevalence and penetrance estimates, and inheritance mode, an automated score was calculated to assess if this variant is too frequent to cause the disease. Based on the score and internal cut-off values, a variant classified as benign is not then subjected to further curation. The score for this variant resulted in a classification of benign for this disease.

Illumina Laboratory Services, Illumina
Classification: Benign for Paramyotonia congenita of Von Eulenburg. Last evaluated: 2018-01-13. Review status: criteria provided, single submitter. Criteria: ICSL Variant Classification Criteria 13 December 2019. Collection method: clinical testing. Allele origin: germline.
Comment: the same text as in the submission from Illumina Laboratory Services, Illumina above.

Illumina Laboratory Services, Illumina
Classification: Uncertain significance for Congenital myasthenic syndrome 16. Last evaluated: 2018-01-13. Review status: criteria provided, single submitter. Criteria: ICSL Variant Classification Criteria 13 December 2019. Collection method: clinical testing. Allele origin: germline.

Illumina Laboratory Services, Illumina
Classification: Benign for Hyperkalemic periodic paralysis. Last evaluated: 2018-01-13. Review status: criteria provided, single submitter. Criteria: ICSL Variant Classification Criteria 13 December 2019. Collection method: clinical testing. Allele origin: germline.
Comment: the same text as in the submission from Illumina Laboratory Services, Illumina above.

Illumina Laboratory Services, Illumina
Classification: Benign for Hypokalemic periodic paralysis, type 2. Last evaluated: 2018-01-13. Review status: criteria provided, single submitter. Criteria: ICSL Variant Classification Criteria 13 December 2019. Collection method: clinical testing. Allele origin: germline.
Comment: the same text as in the submission from Illumina Laboratory Services, Illumina above.